The following is an entry in ClinVar:

ClinVar aggregate classification (germline): Conflicting classifications of pathogenicity. Review status: criteria provided, conflicting classifications (1 of 4 stars). 6 submissions from 6 submitters: Uncertain significance (1); Benign (1); Likely benign (4). Last evaluated 2025-11-10.

Conditions:
Hereditary cancer-predisposing syndrome. Also called: Hereditary Cancer Syndrome; Hereditary neoplastic syndrome; Tumor predisposition; Neoplastic Syndromes, Hereditary. Identifiers: Orphanet 140162, MedGen C0027672, MeSH D009386, MONDO:0015356.
Multiple endocrine neoplasia, type 1 (MEN1). Also called: MEN I; WERMER SYNDROME; Endocrine adenomatosis multiple; MEN 1; MEA I. Identifiers: Orphanet 652, MedGen C0025267, MeSH D018761, MONDO:0007540, OMIM 131100.

Allele frequency attached by ClinVar (database versions not stated): gnomAD exomes below 0.00001 and 0.00002; gnomAD 0.00001 and 0.00003; ExAC 0.00003; 1000 Genomes Project 0.00060; 1000 Genomes Project 30x 0.00062.
gnomAD v4.1: 7 of 1,613,972 alleles (0.00043%); highest among the groups gnomAD compares: East Asian, 0.013%; no homozygotes.

Submissions (6):

Labcorp Genetics (formerly Invitae), Labcorp
Classification: Likely benign for Multiple endocrine neoplasia, type 1. Last evaluated: 2025-11-10. Review status: criteria provided, single submitter. Criteria: Invitae Variant Classification Sherloc (09022015). Collection method: clinical testing. Allele origin: germline.

Myriad Genetics, Inc.
Classification: Benign for Multiple endocrine neoplasia, type 1. Last evaluated: 2024-11-04. Review status: criteria provided, single submitter. Criteria: Myriad Autosomal Dominant, Autosomal Recessive and X-Linked Classification Criteria (2023). Collection method: clinical testing. Allele origin: unknown.
Comment: This variant is considered benign. This variant is a silent/synonymous amino acid change and it is not expected to impact splicing.

All of Us Research Program, National Institutes of Health
Classification: Likely benign for Multiple endocrine neoplasia, type 1. Last evaluated: 2023-11-20. Review status: criteria provided, single submitter. Criteria: ACMG Guidelines, 2015. Collection method: clinical testing. Allele origin: germline. Inheritance: Autosomal dominant inheritance. Observed: 2 variant alleles, 2 heterozygotes.
Comment: This study involves interpretation of variants in research participants for the purpose of population health screening. Participant phenotype was not available at the time of variant classification. Additional details can be found in publication PMID: 35346344, PMCID: PMC8962531

GeneDx
Classification: Uncertain significance. Last evaluated: 2023-10-18. Review status: criteria provided, single submitter. Criteria: GeneDx Variant Classification Process June 2021. Collection method: clinical testing. Allele origin: germline. Affected: yes.
Comment: Not observed at significant frequency in large population cohorts (gnomAD); In silico analysis supports that this variant does not alter splicing; Has not been previously published as pathogenic or benign to our knowledge

Color Diagnostics, LLC DBA Color Health
Classification: Likely benign for Multiple endocrine neoplasia, type 1. Last evaluated: 2022-09-30. Review status: criteria provided, single submitter. Criteria: ACMG Guidelines, 2015. Collection method: clinical testing. Allele origin: germline.

Ambry Genetics
Classification: Likely benign for Hereditary cancer-predisposing syndrome. Last evaluated: 2016-10-28. Review status: criteria provided, single submitter. Criteria: Ambry Variant Classification Scheme 2023. Collection method: clinical testing. Allele origin: germline.

NM_001370259.2(MEN1):c.856C>T (p.Leu286=)

Gene: MEN1 (menin 1; minus strand). Cytogenetic location: 11q13.1.
Variant type: single nucleotide variant.
Coding change: c.856C>T on transcript NM_001370259.2 (MANE Select); coding-DNA position 856, C replaced by T.
Protein change: p.Leu286=; no amino-acid change (leucine 286 retained).
Molecular consequence: synonymous variant.
Genome position (GRCh38, 1-based): chr11:64,807,067, G>A on the plus strand (C>T on the coding strand, the complement: MEN1 is on the minus strand). VCF-style: chr11-64807067-G-A. GRCh37 (hg19) VCF-style: chr11-64574539-G-A.
Other names: c.871C>T, p.Leu291= (NM_000244.4, NM_130800.3, NM_130801.3 and 3 more transcripts); c.856C>T, p.Leu286= (NM_001370251.2, NM_001370260.2, NM_001370261.2 and 1 more transcripts); c.751C>T, p.Leu251= (NM_001370262.2, NM_001370263.2).
Identifiers: ClinVar variation 457341 (VCV000457341.20), dbSNP rs542321016, ClinGen allele CA061722.